The following is an entry in ClinVar:

NM_000878.5(IL2RB):c.211A>C (p.Asn71His)

Gene: IL2RB (interleukin 2 receptor subunit beta; minus strand). Cytogenetic location: 22q12.3.
Variant type: single nucleotide variant.
Coding change: c.211A>C on transcript NM_000878.5 (MANE Select); coding-DNA position 211, A replaced by C.
Protein change: p.Asn71His; replaces asparagine 71 with histidine.
Molecular consequence: missense variant.
Genome position (GRCh38, 1-based): chr22:37,142,505, T>G on the plus strand (A>C on the coding strand, the complement: IL2RB is on the minus strand). VCF-style: chr22-37142505-T-G. GRCh37 (hg19) VCF-style: chr22-37538545-T-G.
Other names: c.211A>C, p.Asn71His (NM_001346222.1, NM_001346223.2); short protein forms N71H.
Identifiers: ClinVar variation 4711900 (VCV004711900.1).
Genomic context (GRCh38, chr22:37,142,505, plus strand): 5'-CGAGGATCAGGTTGCAGGCCCAGGATGCTTGACTCACGGGGAGCAGCTCACAGGTTTGGT[T>G]CCACCGCCTTTCATGGCAAAAGACCCTCTTTAGAAGAACAGGAAGGACCCACACAGCTGG-3'
Protein context (NP_000869.1, residues 61-81): VHAWPDRRRW[Asn71His]QTCELLPVSQ

ClinVar aggregate classification (germline): Uncertain significance (1 of 4 stars; one submission).

gnomAD v4.1: 2 of 1,613,970 alleles (0.00012%); highest among the groups gnomAD compares: Non-Finnish European, 0.00017%; no homozygotes.

Submission:

Labcorp Genetics (formerly Invitae), Labcorp
Classification: Uncertain significance. Last evaluated: 2025-10-03. Review status: criteria provided, single submitter. Criteria: Invitae Variant Classification Sherloc (09022015). Collection method: clinical testing. Allele origin: germline.
Comment: This sequence change replaces asparagine, which is neutral and polar, with histidine, which is basic and polar, at codon 71 of the IL2RB protein (p.Asn71His). This variant is not present in population databases (gnomAD no frequency). This variant has not been reported in the literature in individuals affected with IL2RB-related conditions. An algorithm developed to predict the effect of missense changes on protein structure and function (PolyPhen-2) suggests that this variant is likely to be disruptive. In summary, the available evidence is currently insufficient to determine the role of this variant in disease. Therefore, it has been classified as a Variant of Uncertain Significance.